The following is an entry in ClinVar:

NM_007194.4(CHEK2):c.434G>A (p.Arg145Gln)

Gene: CHEK2 (checkpoint kinase 2; minus strand). Cytogenetic location: 22q12.1.
Variant type: single nucleotide variant.
Coding change: c.434G>A on transcript NM_007194.4 (MANE Select); coding-DNA position 434, G replaced by A.
Protein change: p.Arg145Gln; replaces arginine 145 with glutamine.
Molecular consequence: missense variant.
Genome position (GRCh38, 1-based): chr22:28,725,253, C>T on the plus strand (G>A on the coding strand, the complement: CHEK2 is on the minus strand). VCF-style: chr22-28725253-C-T. GRCh37 (hg19) VCF-style: chr22-29121241-C-T.
Other names: p.R145Q:CGG>CAG; c.563G>A, p.Arg188Gln (NM_001005735.3); c.-344G>A (NM_001257387.3); c.434G>A, p.Arg145Gln (NM_001349956.3, NM_145862.3); short protein forms R145Q, R188Q.
Identifiers: ClinVar variation 141337 (VCV000141337.49), dbSNP rs587781667, ClinGen allele CA294124.

ClinVar aggregate classification (germline): Conflicting classifications of pathogenicity. Review status: criteria provided, conflicting classifications (1 of 4 stars). 20 submissions from 20 submitters: Uncertain significance (17); Likely benign (1). 2 of the submissions do not count toward it. Last evaluated 2026-07-14.

Conditions:
Familial cancer of breast. Also called: hereditary breast carcinoma; BREAST CANCER, FAMILIAL; Hereditary breast cancer. Identifiers: Orphanet 227535, MedGen C0346153, MONDO:0016419, OMIM 114480. Disease mechanism: loss of function.
Bone osteosarcoma. Also called: Osteosarcoma, somatic. Identifiers: Orphanet 668, MedGen C0585442, MONDO:0002629, OMIM 259500.
CHEK2-related cancer predisposition (TPDS4). Also called: CHEK2-related cancer susceptibility; TUMOR PREDISPOSITION SYNDROME 4; CANCER PREDISPOSITION SYNDROME, CHEK2-RELATED. Identifiers: Orphanet 524, MedGen C5882668, MONDO:0700271, OMIM 609265.
Prostate cancer. Also called: Malignant tumor of prostate. Identifiers: Orphanet 1331, MedGen C0376358, MONDO:0008315, HP:0012125.
Colorectal cancer. Also called: Colorectal cancer, somatic; Malignant Colorectal Neoplasm. Identifiers: MedGen C0346629, MONDO:0005575, OMIM 114500.
CHEK2-related disorder.
Hereditary cancer-predisposing syndrome. Also called: Neoplastic Syndromes, Hereditary; Hereditary neoplastic syndrome; Hereditary Cancer Syndrome; Tumor predisposition. Identifiers: Orphanet 140162, MedGen C0027672, MeSH D009386, MONDO:0015356.
Hereditary breast ovarian cancer syndrome. Also called: BRCA1- and BRCA2-Associated Hereditary Breast and Ovarian Cancer; Hereditary breast and ovarian cancer syndrome; Hereditary breast and ovarian cancer syndrome (HBOC); Hereditary breast and ovarian cancer; Breast and ovarian cancer; Hereditary breast and/or ovarian cancer syndrome. Identifiers: Orphanet 145, MedGen C0677776, MeSH D061325, MONDO:0003582. Disease mechanism: loss of function.
Li-Fraumeni syndrome (LFS). Also called: Sarcoma family syndrome of Li and Fraumeni. Identifiers: Orphanet 524, MedGen C0085390, MONDO:0018875.

Allele frequency attached by ClinVar (database versions not stated): TOPMed 0.00001; gnomAD 0.00001.
gnomAD v4.1: 22 of 1,613,932 alleles (0.0014%); highest among the groups gnomAD compares: South Asian, 0.0033%; no homozygotes.

Submissions 1 to 6 of 20:

German Consortium for Hereditary Breast and Ovarian Cancer, University Hospital Cologne
Classification: Likely benign for Hereditary breast ovarian cancer syndrome. Last evaluated: 2026-07-14. Review status: criteria provided, single submitter. Criteria: ACMG SVI. Collection method: curation. Allele origin: germline.
Comment: This classification follows the ACMG SVI adaptation classification scheme; We chose these criteria: PP3 (supporting pathogenic): REVEL 0.678, BS3 (strong benign): Stolarova (2023, PMID: 37449874): Functional in CHK2 & KAP1-assay & Delimitsou (2019, PMID: 30851065): Benign (functional) in yeast assay & Gebbia (2024, PMID: 39642869): benign supporting

Labcorp Genetics (formerly Invitae), Labcorp
Classification: Uncertain significance for Familial cancer of breast. Last evaluated: 2026-01-13. Review status: criteria provided, single submitter. Criteria: Invitae Variant Classification Sherloc (09022015). Collection method: clinical testing. Allele origin: germline.
Comment: This sequence change replaces arginine, which is basic and polar, with glutamine, which is neutral and polar, at codon 145 of the CHEK2 protein (p.Arg145Gln). This variant is present in population databases (rs587781667, gnomAD 0.003%). This missense change has been observed in individual(s) with breast cancer and colorectal cancer (PMID: 18996005, 25186627, 30287823). ClinVar contains an entry for this variant (Variation ID: 141337). An algorithm developed to predict the effect of missense changes on protein structure and function (PolyPhen-2) suggests that this variant is likely to be disruptive. Experimental studies have shown that this missense change does not substantially affect CHEK2 function (PMID: 30851065, 37449874). This variant disrupts the p.Arg145 amino acid residue in CHEK2. Other variant(s) that disrupt this residue have been determined to be pathogenic (PMID: 11719428, 16982735, 22419737). This suggests that this residue is clinically significant, and that variants that disrupt this residue are likely to be disease-causing. In summary, the available evidence is currently insufficient to determine the role of this variant in disease. Therefore, it has been classified as a Variant of Uncertain Significance.

Center for Genomic Medicine, Rigshospitalet, Copenhagen University Hospital
Classification: Uncertain significance. Last evaluated: 2025-12-29. Review status: criteria provided, single submitter. Criteria: ACMG Guidelines, 2015. Collection method: clinical testing. Allele origin: germline.

Women's Health and Genetics/Laboratory Corporation of America, LabCorp
Classification: Uncertain significance. Last evaluated: 2025-12-08. Review status: criteria provided, single submitter. Criteria: LabCorp Variant Classification Summary - May 2015. Collection method: clinical testing. Allele origin: germline.
Comment: Variant summary: CHEK2 c.434G>A (p.Arg145Gln) results in a conservative amino acid change in the encoded protein sequence. Algorithms developed to predict the effect of missense changes on protein structure and function are either unavailable or do not agree on the potential impact of this missense change. The variant allele was found at a frequency of 1.6e-05 in 251292 control chromosomes. The available data on variant occurrences in the general population are insufficient to allow any conclusion about variant significance. c.434G>A has been observed in individual(s) affected with colorectal cancer or breast cancer without strong evidence for causality (e.g. Kleibl_2009, Tung_2015, Freire_2024, Vargas-Parra_2020, Nacer_2023, Rahid_2025, Panigoro_2022, Nagy_2024, Bhai_2021). These report(s) do not provide unequivocal conclusions about association of the variant with Hereditary Breast And Ovarian Cancer Syndrome. At least one publication reports experimental evidence evaluating an impact on protein function. These results showed no damaging effect of this variant (Delimitsou_2019, Stolarova_2023). The following publications have been ascertained in the context of this evaluation (PMID: 34326862, 30851065, 39492936, 18996005, 37060015, 39684258, 36140642, 40749126, 37449874, 25186627, 32906215). ClinVar contains an entry for this variant (Variation ID: 141337). Based on the evidence outlined above, the variant was classified as uncertain significance.

Ambry Genetics
Classification: Uncertain significance for Hereditary cancer-predisposing syndrome. Last evaluated: 2025-11-26. Review status: criteria provided, single submitter. Criteria: Ambry Variant Classification Scheme 2023. Collection method: clinical testing. Allele origin: germline.
Comment: The p.R145Q variant (also known as c.434G>A), located in coding exon 2 of the CHEK2 gene, results from a G to A substitution at nucleotide position 434. The arginine at codon 145 is replaced by glutamine, an amino acid with highly similar properties. This alteration behaved as functional in an in vivo, yeast-based growth rate assay (Delimitsou A et al. Hum. Mutat. 2019 05;40:631-648). This alteration was also reported as functional in a study assessing CHEK2-complementation through quantification of KAP1 phosphorylation and CHK2 autophosphorylation in human RPE1-CHEK2-knockout cells (Stolarova L et al. Clin Cancer Res, 2023 Aug;29:3037-3050). This amino acid position is highly conserved in available vertebrate species. In addition, this alteration is predicted to be deleterious by in silico analysis. Based on the available evidence, the clinical significance of this variant remains unclear.

PreventionGenetics, part of Exact Sciences
Classification: Uncertain significance for CHEK2-related condition. Last evaluated: 2025-07-17. Review status: criteria provided, single submitter. Criteria: ACMG Guidelines, 2015. Collection method: clinical testing. Allele origin: germline.
Comment: The CHEK2 c.434G>A variant is predicted to result in the amino acid substitution p.Arg145Gln. This variant has been reported in multiple individuals with various cancers including colorectal cancer and breast and/or ovarian cancer (see for example, Kleibl et al. 2009. PubMed ID: 18996005; Table S2, Hauke et al. 2018. PubMed ID: 29522266; Table S4, Bhai et al. 2021. PubMed ID: 34326862). This variant is reported in 0.0035% of alleles in individuals of European (non-Finnish) descent in gnomAD and it has been classified as uncertain by other institutions in ClinVar. In vitro experimental studies suggest this variant has no effect on yeast growth and performs similar to wildtype (Figure S1, Delimitsou et al. 2019. PubMed ID: 30851065; Table S1, Stolarova et al. 2023. PubMed ID: 37449874). An alternate missense substitution affecting the same amino acid (p.Arg145Trp) has been reported in multiple individuals with breast and/or ovarian cancer (Table S1, Carter et al. 2018. PubMed ID: 30322717), renal cell carcinoma (Table S1, Abou Alaiwi et al. 2021. PubMed ID: 33789101), biliary tract cancer (Table S2, Okawa et al. 2023. PubMed ID: 36243179), and prostate cancer (Table S5, Momozawa et al. 2020. PubMed ID: 31214711). At this time, the clinical significance of the c.434G>A (p.Arg145Gln) variant is uncertain due to the absence of conclusive functional and genetic evidence.